The following is an entry in ClinVar:

NM_006563.5(KLF1):c.954G>C (p.Trp318Cys)

Genes: KLF1 (KLF transcription factor 1; minus strand), LOC117125591 (CRISPRi-FlowFISH-validated PRDX2 and RAD23A regulatory element; plus strand). Cytogenetic location: 19p13.13.
Variant type: single nucleotide variant.
Coding change: c.954G>C on transcript NM_006563.5 (MANE Select); coding-DNA position 954, G replaced by C.
Protein change: p.Trp318Cys; replaces tryptophan 318 with cysteine.
Molecular consequence: missense variant.
Genome position (GRCh38, 1-based): chr19:12,885,020, C>G on the plus strand (G>C on the coding strand, the complement: KLF1 is on the minus strand). VCF-style: chr19-12885020-C-G. GRCh37 (hg19) VCF-style: chr19-12995834-C-G.
Other names: short protein forms W318C.
Identifiers: ClinVar variation 253309 (VCV000253309.7), dbSNP rs769526751, ClinGen allele CA9233959.

ClinVar aggregate classification (germline): Uncertain significance. Review status: criteria provided, multiple submitters, no conflicts (2 of 4 stars). 3 submissions from 3 submitters: Uncertain significance (2). 1 of the submissions does not count toward it. Last evaluated 2025-03-04.

Conditions:
BLOOD GROUP--LUTHERAN INHIBITOR (INLU). Also called: DOMINANT LU (a-b-) PHENOTYPE. Identifiers: MedGen C1292231, OMIM 111150.

Allele frequency attached by ClinVar (database versions not stated): gnomAD exomes 0.00001; ExAC 0.00002.
gnomAD v4.1: 8 of 1,609,054 alleles (0.0005%); highest among the groups gnomAD compares: South Asian, 0.0077%; no homozygotes.

Submissions (3):

Center for Genomic Medicine, Rigshospitalet, Copenhagen University Hospital
Classification: Uncertain significance. Last evaluated: 2025-03-04. Review status: criteria provided, single submitter. Criteria: ACMG Guidelines, 2015. Collection method: clinical testing. Allele origin: germline.

Labcorp Genetics (formerly Invitae), Labcorp
Classification: Uncertain significance. Last evaluated: 2023-08-23. Review status: criteria provided, single submitter. Criteria: Invitae Variant Classification Sherloc (09022015). Collection method: clinical testing. Allele origin: germline.
Comment: This sequence change replaces tryptophan, which is neutral and slightly polar, with cysteine, which is neutral and slightly polar, at codon 318 of the KLF1 protein (p.Trp318Cys). ClinVar contains an entry for this variant (Variation ID: 253309). This variant is present in population databases (rs769526751, gnomAD 0.01%). This missense change has been observed in individual(s) with clinical features of KLF1-related conditions (PMID: 30222867, 34535703). Advanced modeling of protein sequence and biophysical properties (such as structural, functional, and spatial information, amino acid conservation, physicochemical variation, residue mobility, and thermodynamic stability) performed at Invitae indicates that this missense variant is expected to disrupt KLF1 protein function. In summary, the available evidence is currently insufficient to determine the role of this variant in disease. Therefore, it has been classified as a Variant of Uncertain Significance.

Australian Red Cross Blood Service
Classification: Affects for BLOOD GROUP--LUTHERAN INHIBITOR. Last evaluated: 2016-08-09. Review status: no assertion criteria provided. Collection method: research. Allele origin: unknown. Inheritance: Autosomal dominant inheritance. Affected: yes. Observed: 1 variant allele, 1 heterozygote. Not counted in ClinVar's aggregate classification.
Comment: Reduced BCAM and CD44 expression by flow cytometry.

Literature cited by the submitters: PubMed 30222867 (cited by Center for Genomic Medicine, Rigshospitalet, Copenhagen University Hospital and Labcorp Genetics (formerly Invitae), Labcorp); PubMed 34535703 (cited by Center for Genomic Medicine, Rigshospitalet, Copenhagen University Hospital and Labcorp Genetics (formerly Invitae), Labcorp).